The following is an entry in ClinVar:

NM_000143.4(FH):c.930T>G (p.Asn310Lys)

Gene: FH (fumarate hydratase; minus strand). Cytogenetic location: 1q43.
Variant type: single nucleotide variant.
Coding change: c.930T>G on transcript NM_000143.4 (MANE Select); coding-DNA position 930, T replaced by G.
Protein change: p.Asn310Lys; replaces asparagine 310 with lysine.
Molecular consequence: missense variant.
Genome position (GRCh38, 1-based): chr1:241,504,220, A>C on the plus strand (T>G on the coding strand, the complement: FH is on the minus strand). VCF-style: chr1-241504220-A-C. GRCh37 (hg19) VCF-style: chr1-241667520-A-C.
Other names: short protein forms N310K.
Identifiers: ClinVar variation 3515074 (VCV003515074.1).

ClinVar aggregate classification (germline): Uncertain significance (1 of 4 stars; one submission).

Conditions:
Hereditary cancer-predisposing syndrome. Also called: Tumor predisposition; Neoplastic Syndromes, Hereditary; Hereditary Cancer Syndrome; Hereditary neoplastic syndrome. Identifiers: Orphanet 140162, MedGen C0027672, MeSH D009386, MONDO:0015356.

Submission:

Ambry Genetics
Classification: Uncertain significance for Hereditary cancer-predisposing syndrome. Last evaluated: 2024-11-12. Review status: criteria provided, single submitter. Criteria: Ambry Variant Classification Scheme 2023. Collection method: clinical testing. Allele origin: germline.
Comment: The p.N310K variant (also known as c.930T>G), located in coding exon 7 of the FH gene, results from a T to G substitution at nucleotide position 930. The asparagine at codon 310 is replaced by lysine, an amino acid with similar properties. This variant has been observed in at least one individual with a personal and/or family history that is consistent with FH-associated disease (Ambry internal data). This amino acid position is highly conserved in available vertebrate species. In addition, this alteration is predicted to be deleterious by in silico analysis. Based on the available evidence, the clinical significance of this variant remains unclear.